The following is an entry in ClinVar:

ClinVar aggregate classification (germline): Uncertain significance. Review status: criteria provided, multiple submitters, no conflicts (2 of 4 stars). 4 submissions from 4 submitters: Uncertain significance (4). Last evaluated 2025-04-25.

Conditions:
Inborn genetic diseases. Identifiers: MedGen C0950123, MeSH D030342.
Hypermanganesemia with dystonia, polycythemia, and cirrhosis (HMNDYT1). Also called: Cirrhosis - dystonia - polycythemia - hypermanganesemia syndrome; Hepatic Cirrhosis, Dystonia, Polycythemia and Hypermanganesemia; Hypermanganesemia with Dystonia 1. Identifiers: Orphanet 309854, MedGen C2750442, MONDO:0013208, OMIM 613280.
SLC30A10-related disorder. Also called: SLC30A10-related condition.

Allele frequency attached by ClinVar (database versions not stated): gnomAD 0.00004; gnomAD exomes 0.00004 and 0.00008; TOPMed 0.00005; ExAC 0.00009; ESP Exome Variant Server 0.00015.
gnomAD v4.1: 59 of 1,614,092 alleles (0.0037%); highest among the groups gnomAD compares: Admixed American, 0.0083%; no homozygotes.

Submissions (4):

PreventionGenetics, part of Exact Sciences
Classification: Uncertain significance for SLC30A10-related condition. Last evaluated: 2025-04-25. Review status: criteria provided, single submitter. Criteria: ACMG Guidelines, 2015. Collection method: clinical testing. Allele origin: germline.
Comment: The SLC30A10 c.1399G>A variant is predicted to result in the amino acid substitution p.Gly467Arg. To our knowledge, this variant has not been reported in the literature. This variant is reported in 0.017% of alleles in individuals of Latino descent in gnomAD. At this time, the clinical significance of this variant is uncertain due to the absence of conclusive functional and genetic evidence.

Ambry Genetics
Classification: Uncertain significance for Inborn genetic diseases. Last evaluated: 2023-12-16. Review status: criteria provided, single submitter. Criteria: Ambry Variant Classification Scheme 2023. Collection method: clinical testing. Allele origin: germline.

Labcorp Genetics (formerly Invitae), Labcorp
Classification: Uncertain significance. Last evaluated: 2023-10-13. Review status: criteria provided, single submitter. Criteria: Invitae Variant Classification Sherloc (09022015). Collection method: clinical testing. Allele origin: germline.
Comment: This sequence change replaces glycine, which is neutral and non-polar, with arginine, which is basic and polar, at codon 467 of the SLC30A10 protein (p.Gly467Arg). This variant is present in population databases (rs372826011, gnomAD 0.02%). This variant has not been reported in the literature in individuals affected with SLC30A10-related conditions. ClinVar contains an entry for this variant (Variation ID: 875812). Algorithms developed to predict the effect of missense changes on protein structure and function output the following: SIFT: "Not Available"; PolyPhen-2: "Benign"; Align-GVGD: "Not Available". The arginine amino acid residue is found in multiple mammalian species, which suggests that this missense change does not adversely affect protein function. In summary, the available evidence is currently insufficient to determine the role of this variant in disease. Therefore, it has been classified as a Variant of Uncertain Significance.

Illumina Laboratory Services, Illumina
Classification: Uncertain significance for Hypermanganesemia with dystonia, polycythemia, and cirrhosis. Last evaluated: 2018-01-12. Review status: criteria provided, single submitter. Criteria: ICSL Variant Classification Criteria 13 December 2019. Collection method: clinical testing. Allele origin: germline.

NM_018713.3(SLC30A10):c.1399G>A (p.Gly467Arg)

Gene: SLC30A10 (solute carrier family 30 member 10; minus strand). Cytogenetic location: 1q41.
Variant type: single nucleotide variant.
Coding change: c.1399G>A on transcript NM_018713.3 (MANE Select); coding-DNA position 1399, G replaced by A.
Protein change: p.Gly467Arg; replaces glycine 467 with arginine.
Molecular consequence: missense variant. On other transcripts: non-coding transcript variant (2).
Genome position (GRCh38, 1-based): chr1:219,915,508, C>T on the plus strand (G>A on the coding strand, the complement: SLC30A10 is on the minus strand). VCF-style: chr1-219915508-C-T. GRCh37 (hg19) VCF-style: chr1-220088850-C-T.
Other names: c.1210G>A, p.Gly404Arg (NM_001376929.1); short protein forms G404R, G467R.
Identifiers: ClinVar variation 875812 (VCV000875812.13), dbSNP rs372826011, ClinGen allele CA1399113.